The following is an entry in ClinVar:

NM_199420.4(POLQ):c.988T>G (p.Cys330Gly)

Gene: POLQ (DNA polymerase theta; minus strand). Cytogenetic location: 3q13.33.
Variant type: single nucleotide variant.
Coding change: c.988T>G on transcript NM_199420.4 (MANE Select); coding-DNA position 988, T replaced by G.
Protein change: p.Cys330Gly; replaces cysteine 330 with glycine.
Molecular consequence: missense variant.
Genome position (GRCh38, 1-based): chr3:121,529,765, A>C on the plus strand (T>G on the coding strand, the complement: POLQ is on the minus strand). VCF-style: chr3-121529765-A-C. GRCh37 (hg19) VCF-style: chr3-121248612-A-C.
Other names: short protein forms C330G.
Identifiers: ClinVar variation 1768505 (VCV001768505.3), dbSNP rs768144840, ClinGen allele CA354124843.

ClinVar aggregate classification (germline): Uncertain significance (1 of 4 stars; one submission).

gnomAD v4.1: 5 of 1,612,230 alleles (0.00031%); highest among the groups gnomAD compares: Non-Finnish European, 0.00042%; no homozygotes.

Submission:

Ambry Genetics
Classification: Uncertain significance. Last evaluated: 2024-10-11. Review status: criteria provided, single submitter. Criteria: Ambry Variant Classification Scheme 2023. Collection method: clinical testing. Allele origin: germline.
Comment: The p.C330G variant (also known as c.988T>G), located in coding exon 7 of the POLQ gene, results from a T to G substitution at nucleotide position 988. The cysteine at codon 330 is replaced by glycine, an amino acid with highly dissimilar properties. This amino acid position is conserved. In addition, the in silico prediction for this alteration is inconclusive. Since supporting evidence is limited at this time, the clinical significance of this alteration remains unclear.